The following is an entry in ClinVar:

NM_002439.5(MSH3):c.1709C>G (p.Ser570Ter)

Gene: MSH3 (mutS homolog 3; plus strand). Cytogenetic location: 5q14.1.
Variant type: single nucleotide variant.
Coding change: c.1709C>G on transcript NM_002439.5 (MANE Select); coding-DNA position 1709, C replaced by G.
Protein change: p.Ser570Ter; replaces serine 570 with a stop codon.
Molecular consequence: nonsense.
Genome position (GRCh38, 1-based): chr5:80,744,561, C>G. VCF-style: chr5-80744561-C-G. GRCh37 (hg19) VCF-style: chr5-80040380-C-G.
Other names: short protein forms S570*.
Identifiers: ClinVar variation 2673567 (VCV002673567.1), dbSNP rs1743680168, ClinGen allele CA360274741.

ClinVar aggregate classification (germline): Pathogenic (1 of 4 stars; one submission).

Conditions:
Familial adenomatous polyposis 4 (FAP4). Also called: MSH3-related attenuated familial adenomatous polyposis. Identifiers: Orphanet 480536, MedGen C4310719, MONDO:0044300, OMIM 617100.

Submission:

Myriad Genetics, Inc.
Classification: Pathogenic for Familial adenomatous polyposis 4. Last evaluated: 2023-08-30. Review status: criteria provided, single submitter. Criteria: Myriad Autosomal Dominant, Autosomal Recessive and X-Linked Classification Criteria (2023). Collection method: clinical testing. Allele origin: unknown.
Comment: This variant is considered pathogenic. This variant creates a termination codon and is predicted to result in premature protein truncation.